The following is an entry in ClinVar:

NM_006593.4(TBR1):c.1723A>G (p.Met575Val)

Gene: TBR1 (T-box brain transcription factor 1; plus strand). Cytogenetic location: 2q24.2.
Variant type: single nucleotide variant.
Coding change: c.1723A>G on transcript NM_006593.4 (MANE Select); coding-DNA position 1723, A replaced by G.
Protein change: p.Met575Val; replaces methionine 575 with valine.
Molecular consequence: missense variant.
Genome position (GRCh38, 1-based): chr2:161,423,901, A>G. VCF-style: chr2-161423901-A-G. GRCh37 (hg19) VCF-style: chr2-162280412-A-G.
Other names: short protein forms M575V.
Identifiers: ClinVar variation 2430998 (VCV002430998.2), dbSNP rs1327216554, ClinGen allele CA349214320.

ClinVar aggregate classification (germline): Uncertain significance (1 of 4 stars; one submission).

gnomAD v4.1: 8 of 1,383,036 alleles (0.00058%); highest among the groups gnomAD compares: Non-Finnish European, 0.00028%; no homozygotes.

Submission:

GeneDx
Classification: Uncertain significance. Last evaluated: 2024-06-28. Review status: criteria provided, single submitter. Criteria: GeneDx Variant Classification Process June 2021. Collection method: clinical testing. Allele origin: germline.
Comment: Not observed at significant frequency in large population cohorts (gnomAD); In silico analysis supports that this missense variant does not alter protein structure/function; Has not been previously published as pathogenic or benign to our knowledge